The following is an entry in ClinVar:

NM_018896.5(CACNA1G):c.488+6G>A

Gene: CACNA1G (calcium voltage-gated channel subunit alpha1 G; plus strand). Cytogenetic location: 17q21.33.
Variant type: single nucleotide variant.
Coding change: c.488+6G>A on transcript NM_018896.5 (MANE Select); 6 bases into the intron after coding-DNA position 488, G replaced by A.
Molecular consequence: intron variant.
Genome position (GRCh38, 1-based): chr17:50,569,304, G>A. VCF-style: chr17-50569304-G-A. GRCh37 (hg19) VCF-style: chr17-48646665-G-A.
Other names: c.488+6G>A (NM_001256325.2, NM_198377.3, NM_198380.3 and 24 more transcripts).
Identifiers: ClinVar variation 2960128 (VCV002960128.3), dbSNP rs1439784645, ClinGen allele CA626502470.
Genomic context (GRCh38, chr17:50,569,304, plus strand): 5'-AGTGTTACCTGGGAGACACTTGGAACCGGCTTGACTTTTTCATCGTCATCGCAGGGTGAG[G>A]ACCTGGGCTGGGGTGGGAGAGCAATGGATCAGATCGGTCCCTTCCCCGGGGCCAGGGTTC-3'

ClinVar aggregate classification (germline): Uncertain significance (1 of 4 stars; one submission).

Allele frequency attached by ClinVar (database versions not stated): gnomAD exomes 0.00001.
gnomAD v4.1: 7 of 1,613,366 alleles (0.00043%); highest among the groups gnomAD compares: Admixed American, 0.01%; no homozygotes.

Submission:

Labcorp Genetics (formerly Invitae), Labcorp
Classification: Uncertain significance. Last evaluated: 2026-01-20. Review status: criteria provided, single submitter. Criteria: Invitae Variant Classification Sherloc (09022015). Collection method: clinical testing. Allele origin: germline.
Comment: This sequence change falls in intron 3 of the CACNA1G gene. It does not directly change the encoded amino acid sequence of the CACNA1G protein. It affects a nucleotide within the consensus splice site. This variant is present in population databases (no rsID available, gnomAD 0.006%). This variant has not been reported in the literature in individuals affected with CACNA1G-related conditions. ClinVar contains an entry for this variant (Variation ID: 2960128). Variants that disrupt the consensus splice site are a relatively common cause of aberrant splicing (PMID: 17576681, 9536098). Algorithms developed to predict the effect of sequence changes on RNA splicing suggest that this variant is not likely to affect RNA splicing. In summary, the available evidence is currently insufficient to determine the role of this variant in disease. Therefore, it has been classified as a Variant of Uncertain Significance.

Literature cited by the submitters: PubMed 17576681; PubMed 9536098.